The following is an entry in ClinVar:

ClinVar aggregate classification (germline): Benign/Likely benign. Review status: criteria provided, multiple submitters, no conflicts (2 of 4 stars). 3 submissions from 3 submitters: Benign (2); Likely benign (1). Last evaluated 2026-02-02.

Submissions (3):

Labcorp Genetics (formerly Invitae), Labcorp
Classification: Benign. Last evaluated: 2026-02-02. Review status: criteria provided, single submitter. Criteria: Invitae Variant Classification Sherloc (09022015). Collection method: clinical testing. Allele origin: germline.

Women's Health and Genetics/Laboratory Corporation of America, LabCorp
Classification: Benign. Last evaluated: 2024-07-12. Review status: criteria provided, single submitter. Criteria: LabCorp Variant Classification Summary - May 2015. Collection method: clinical testing. Allele origin: germline.
Comment: Variant summary: COL18A1 c.1923+14_1923+15delAT alters a non-conserved nucleotide located at a position not widely known to affect splicing. Consensus agreement among computation tools predict no significant impact on normal splicing. However, these predictions have yet to be confirmed by functional studies. The variant allele was found at a frequency of 0.00035 in 249064 control chromosomes, predominantly at a frequency of 0.0045 within the East Asian subpopulation in the gnomAD database, including 1 homozygotes. The observed variant frequency within East Asian control individuals in the gnomAD database exceeds the estimated maximal expected allele frequency for a pathogenic variant in COL18A1 causing Knobloch Syndrome 1 phenotype. To our knowledge, no occurrence of c.1923+14_1923+15delAT in individuals affected with Knobloch Syndrome 1 and no experimental evidence demonstrating its impact on protein function have been reported. ClinVar contains an entry for this variant (Variation ID: 1598795). Based on the evidence outlined above, the variant was classified as benign.

Blueprint Genetics
Classification: Likely benign. Last evaluated: 2024-04-15. Review status: criteria provided, single submitter. Criteria: ACMG Guidelines, 2015. Collection method: clinical testing. Allele origin: germline.

NM_001379500.1(COL18A1):c.1923+14_1923+15del

Gene: COL18A1 (collagen type XVIII alpha 1 chain; plus strand). Cytogenetic location: 21q22.3.
Variant type: Microsatellite.
Coding change: c.1923+14_1923+15del on transcript NM_001379500.1 (MANE Select); bases 14 to 15 of the intron after coding-DNA position 1923, 2 bases deleted (AT; older notation c.1923+14_1923+15delAT).
Molecular consequence: intron variant.
Genome position (GRCh38, 1-based): chr21:45,488,458-45,488,459, AT deleted; deleting any 2 consecutive bases within chr21:45,488,456-45,488,459 gives the same sequence; the c. name uses the placement nearest the transcript's 3' end. VCF-style (leftmost placement, unchanged base first): chr21-45488455-GAT-G. GRCh37 (hg19) VCF-style: chr21-46908369-GAT-G.
Other names: c.3168+14_3168+15del (NM_130444.3); c.2463+14_2463+15del (NM_030582.4); c.1923+14_1923+15delAT (NM_001379500.1).
Identifiers: ClinVar variation 1598795 (VCV001598795.10), dbSNP rs750682932, ClinGen allele CA10066663.